The following is an entry in ClinVar:

ClinVar aggregate classification (germline): Uncertain significance (0 of 4 stars; one submission).

Conditions:
F5-related disorder. Also called: F5-related condition.

Submission:

PreventionGenetics, part of Exact Sciences
Classification: Uncertain significance for F5-related condition. Last evaluated: 2024-05-06. Review status: no assertion criteria provided. Collection method: clinical testing. Allele origin: germline.
Comment: The F5 c.2217C>A variant is predicted to result in the amino acid substitution p.Phe739Leu. To our knowledge, this variant has not been reported in the literature or in a large population database, indicating this variant is rare. At this time, the clinical significance of this variant is uncertain due to the absence of conclusive functional and genetic evidence.

NM_000130.5(F5):c.2217C>A (p.Phe739Leu)

Gene: F5 (coagulation factor V; minus strand). Cytogenetic location: 1q24.2.
Variant type: single nucleotide variant.
Coding change: c.2217C>A on transcript NM_000130.5 (MANE Select); coding-DNA position 2217, C replaced by A.
Protein change: p.Phe739Leu; replaces phenylalanine 739 with leucine.
Molecular consequence: missense variant.
Genome position (GRCh38, 1-based): chr1:169,542,873, G>T on the plus strand (C>A on the coding strand, the complement: F5 is on the minus strand). VCF-style: chr1-169542873-G-T. GRCh37 (hg19) VCF-style: chr1-169512111-G-T.
Other names: short protein forms F739L.
Identifiers: ClinVar variation 3354225 (VCV003354225.1).